The following is an entry in ClinVar:

NM_020461.4(TUBGCP6):c.2057_2065del (p.Ala686_Ser688del)

Gene: TUBGCP6 (tubulin gamma complex component 6; minus strand). Cytogenetic location: 22q13.33.
Variant type: Deletion.
Coding change: c.2057_2065del on transcript NM_020461.4 (MANE Select); coding-DNA positions 2057 to 2065, 9 bases deleted (CACTGAGTG; older notation c.2057_2065delCACTGAGTG).
Protein change: p.Ala686_Ser688del.
Molecular consequence: inframe deletion.
Genome position (GRCh38, 1-based): chr22:50,224,511-50,224,519, CACTCAGTG deleted on the plus strand (CACTGAGTG on the coding strand, the reverse complement: TUBGCP6 is on the minus strand); deleting any 9 consecutive bases within chr22:50,224,511-50,224,526 gives the same sequence; the c. name uses the placement nearest the transcript's 3' end. VCF-style (leftmost placement, unchanged base first): chr22-50224510-CCACTCAGTG-C. GRCh37 (hg19) VCF-style: chr22-50662939-CCACTCAGTG-C.
Identifiers: ClinVar variation 1038135 (VCV001038135.6), dbSNP rs758225744, ClinGen allele CA10308386.

ClinVar aggregate classification (germline): Uncertain significance (1 of 4 stars; one submission).

Submission:

Labcorp Genetics (formerly Invitae), Labcorp
Classification: Uncertain significance. Last evaluated: 2022-02-01. Review status: criteria provided, single submitter. Criteria: Invitae Variant Classification Sherloc (09022015). Collection method: clinical testing. Allele origin: germline.
Comment: In summary, the available evidence is currently insufficient to determine the role of this variant in disease. Therefore, it has been classified as a Variant of Uncertain Significance. Algorithms developed to predict the effect of sequence changes on RNA splicing suggest that this variant may disrupt the consensus splice site. ClinVar contains an entry for this variant (Variation ID: 1038135). This variant has not been reported in the literature in individuals affected with TUBGCP6-related conditions. This variant is present in population databases (rs758225744, gnomAD 0.0009%). This variant, c.2057_2065del, results in the deletion of 3 amino acid(s) of the TUBGCP6 protein (p.Ala686_Ser688del), but otherwise preserves the integrity of the reading frame.